The following is an entry in ClinVar:

NM_001845.6(COL4A1):c.2850A>T (p.Lys950Asn)

Gene: COL4A1 (collagen type IV alpha 1 chain; minus strand). Cytogenetic location: 13q34.
Variant type: single nucleotide variant.
Coding change: c.2850A>T on transcript NM_001845.6 (MANE Select); coding-DNA position 2850, A replaced by T.
Protein change: p.Lys950Asn; replaces lysine 950 with asparagine.
Molecular consequence: missense variant.
Genome position (GRCh38, 1-based): chr13:110,176,904, T>A on the plus strand (A>T on the coding strand, the complement: COL4A1 is on the minus strand). VCF-style: chr13-110176904-T-A. GRCh37 (hg19) VCF-style: chr13-110829251-T-A.
Other names: short protein forms K950N.
Identifiers: ClinVar variation 2745691 (VCV002745691.3), dbSNP rs2501777064, ClinGen allele CA388666760.

ClinVar aggregate classification (germline): Uncertain significance (1 of 4 stars; one submission).

Submission:

Labcorp Genetics (formerly Invitae), Labcorp
Classification: Uncertain significance. Last evaluated: 2023-10-15. Review status: criteria provided, single submitter. Criteria: Invitae Variant Classification Sherloc (09022015). Collection method: clinical testing. Allele origin: germline.
Comment: This sequence change replaces lysine, which is basic and polar, with asparagine, which is neutral and polar, at codon 950 of the COL4A1 protein (p.Lys950Asn). This variant is not present in population databases (gnomAD no frequency). This variant has not been reported in the literature in individuals affected with COL4A1-related conditions. An algorithm developed to predict the effect of missense changes on protein structure and function (PolyPhen-2) suggests that this variant is likely to be tolerated. In summary, the available evidence is currently insufficient to determine the role of this variant in disease. Therefore, it has been classified as a Variant of Uncertain Significance.